The following is an entry in ClinVar:

NM_001395002.1(MAP4K4):c.3869A>C (p.Asn1290Thr)

Gene: MAP4K4 (mitogen-activated protein kinase kinase kinase kinase 4; plus strand). Cytogenetic location: 2q11.2.
Variant type: single nucleotide variant.
Coding change: c.3869A>C on transcript NM_001395002.1 (MANE Select); coding-DNA position 3869, A replaced by C.
Protein change: p.Asn1290Thr; replaces asparagine 1290 with threonine.
Molecular consequence: missense variant. On other transcripts: non-coding transcript variant (4).
Genome position (GRCh38, 1-based): chr2:101,887,875, A>C. VCF-style: chr2-101887875-A-C. GRCh37 (hg19) VCF-style: chr2-102504337-A-C.
Other names: c.3434A>C, p.Asn1145Thr (NM_001242559.2); c.3422A>C, p.Asn1141Thr (NM_001242560.2); c.3512A>C, p.Asn1171Thr (NM_001384476.1); c.3701A>C, p.Asn1234Thr (NM_001384477.1); c.3191A>C, p.Asn1064Thr (NM_001384478.1); c.3653A>C, p.Asn1218Thr (NM_001384481.1); c.3182A>C, p.Asn1061Thr (NM_001384482.1); c.3464A>C, p.Asn1155Thr (NM_001384483.1); and 40 more; short protein forms N1055T, N1061T, N1064T, N1071T, N1083T, N1094T, N1095T, N1106T.
Identifiers: ClinVar variation 5018311 (VCV005018311.1).

ClinVar aggregate classification (germline): Uncertain significance (1 of 4 stars; one submission).

Submission:

GeneDx
Classification: Uncertain significance. Last evaluated: 2026-04-07. Review status: criteria provided, single submitter. Criteria: GeneDx Variant Classification Process June 2021. Collection method: clinical testing. Allele origin: germline.
Comment: Not observed at significant frequency in large population cohorts (gnomAD); In silico analysis supports that this missense variant has a deleterious effect on protein structure/function; Has not been previously published as pathogenic or benign to our knowledge